The following is an entry in ClinVar:

ClinVar aggregate classification (germline): Uncertain significance (1 of 4 stars; one submission).

Conditions:
Muscular dystrophy-dystroglycanopathy (congenital with brain and eye anomalies), type a, 8 (MDDGA8). Also called: WALKER-WARBURG SYNDROME OR MUSCLE-EYE-BRAIN DISEASE, GTDC2-RELATED. Identifiers: Orphanet 899, MedGen C3553813, MONDO:0013904, OMIM 614830.

Allele frequency attached by ClinVar (database versions not stated): gnomAD below 0.00001 and 0.00003; TOPMed below 0.00001; gnomAD exomes 0.00003 and 0.00006; ExAC 0.00007; 1000 Genomes Project 30x 0.00016; 1000 Genomes Project 0.00020.
gnomAD v4.1: 55 of 1,613,996 alleles (0.0034%); highest among the groups gnomAD compares: South Asian, 0.056%; no homozygotes.

Submission:

Labcorp Genetics (formerly Invitae), Labcorp
Classification: Uncertain significance for Muscular dystrophy-dystroglycanopathy (congenital with brain and eye anomalies), type a, 8. Last evaluated: 2021-09-08. Review status: criteria provided, single submitter. Criteria: Invitae Variant Classification Sherloc (09022015). Collection method: clinical testing. Allele origin: germline.
Comment: This sequence change replaces serine with isoleucine at codon 210 of the POMGNT2 protein (p.Ser210Ile). The serine residue is highly conserved and there is a large physicochemical difference between serine and isoleucine. This variant is present in population databases (rs561770941, ExAC 0.05%). This variant has not been reported in the literature in individuals affected with POMGNT2-related conditions. Algorithms developed to predict the effect of missense changes on protein structure and function (SIFT, PolyPhen-2, Align-GVGD) all suggest that this variant is likely to be disruptive. In summary, the available evidence is currently insufficient to determine the role of this variant in disease. Therefore, it has been classified as a Variant of Uncertain Significance.

NM_032806.6(POMGNT2):c.629G>T (p.Ser210Ile)

Gene: POMGNT2 (protein O-linked mannose N-acetylglucosaminyltransferase 2 (beta 1,4-); minus strand). Cytogenetic location: 3p22.1.
Variant type: single nucleotide variant.
Coding change: c.629G>T on transcript NM_032806.6 (MANE Select); coding-DNA position 629, G replaced by T.
Protein change: p.Ser210Ile; replaces serine 210 with isoleucine.
Molecular consequence: missense variant.
Genome position (GRCh38, 1-based): chr3:43,080,803, C>A on the plus strand (G>T on the coding strand, the complement: POMGNT2 is on the minus strand). VCF-style: chr3-43080803-C-A. GRCh37 (hg19) VCF-style: chr3-43122295-C-A.
Other names: short protein forms S210I.
Identifiers: ClinVar variation 1017646 (VCV001017646.2), dbSNP rs561770941, ClinGen allele CA2340022.